The following is an entry in ClinVar:

NM_006876.3(B4GAT1):c.948C>T (p.Ala316=)

Gene: B4GAT1 (beta-1,4-glucuronyltransferase 1; minus strand). Cytogenetic location: 11q13.2.
Variant type: single nucleotide variant.
Coding change: c.948C>T on transcript NM_006876.3 (MANE Select); coding-DNA position 948, C replaced by T.
Protein change: p.Ala316=; no amino-acid change (alanine 316 retained).
Molecular consequence: synonymous variant.
Genome position (GRCh38, 1-based): chr11:66,346,598, G>A on the plus strand (C>T on the coding strand, the complement: B4GAT1 is on the minus strand). VCF-style: chr11-66346598-G-A. GRCh37 (hg19) VCF-style: chr11-66114069-G-A.
Identifiers: ClinVar variation 3897434 (VCV003897434.2).

ClinVar aggregate classification (germline): Conflicting classifications of pathogenicity. Review status: criteria provided, conflicting classifications (1 of 4 stars). 2 submissions from 2 submitters: Uncertain significance (1); Likely benign (1). Last evaluated 2025-10-01.

Conditions:
Muscular dystrophy-dystroglycanopathy (congenital with brain and eye anomalies), type A13. Also called: WALKER-WARBURG SYNDROME OR MUSCLE-EYE-BRAIN DISEASE, B3GNT1-RELATED; Muscular dystrophy-dystroglycanopathy (congenital with brain and eye anomalies), type a, 13. Identifiers: Orphanet 899, MedGen C3809042, MONDO:0014120, OMIM 615287.

Submissions (2):

Labcorp Genetics (formerly Invitae), Labcorp
Classification: Likely benign for Muscular dystrophy-dystroglycanopathy (congenital with brain and eye anomalies), type A13. Last evaluated: 2025-10-01. Review status: criteria provided, single submitter. Criteria: Invitae Variant Classification Sherloc (09022015). Collection method: clinical testing. Allele origin: germline.

GeneDx
Classification: Uncertain significance. Last evaluated: 2024-11-01. Review status: criteria provided, single submitter. Criteria: GeneDx Variant Classification Process June 2021. Collection method: clinical testing. Allele origin: germline. Affected: yes.
Comment: Not observed at significant frequency in large population cohorts (gnomAD); In silico analysis indicates that this variant does not alter splicing; Has not been previously published as pathogenic or benign to our knowledge